The following is an entry in ClinVar:

NM_017780.4(CHD7):c.614A>C (p.Gln205Pro)

Gene: CHD7 (chromodomain helicase DNA binding protein 7; plus strand). Cytogenetic location: 8q12.2.
Variant type: single nucleotide variant.
Coding change: c.614A>C on transcript NM_017780.4 (MANE Select); coding-DNA position 614, A replaced by C.
Protein change: p.Gln205Pro; replaces glutamine 205 with proline.
Molecular consequence: missense variant.
Genome position (GRCh38, 1-based): chr8:60,742,046, A>C. VCF-style: chr8-60742046-A-C. GRCh37 (hg19) VCF-style: chr8-61654605-A-C.
Other names: c.614A>C, p.Gln205Pro (NM_001316690.1); short protein forms Q205P.
Identifiers: ClinVar variation 3676019 (VCV003676019.2).

ClinVar aggregate classification (germline): Uncertain significance (1 of 4 stars; one submission).

Conditions:
CHARGE syndrome (CHARGE). Also called: Hittner Hirsch Kreh syndrome; CHARGE ASSOCIATION--COLOBOMA, HEART ANOMALY, CHOANAL ATRESIA, RETARDATION, GENITAL AND EAR ANOMALIES; Coloboma, heart anomaly, choanal atresia, retardation, genital and ear anomalies; CHARGE association; Hall-Hittner syndrome. Identifiers: Orphanet 138, MedGen C0265354, MONDO:0008965.

Submission:

Labcorp Genetics (formerly Invitae), Labcorp
Classification: Uncertain significance for CHARGE syndrome. Last evaluated: 2024-05-06. Review status: criteria provided, single submitter. Criteria: Invitae Variant Classification Sherloc (09022015). Collection method: clinical testing. Allele origin: germline.
Comment: This sequence change replaces glutamine, which is neutral and polar, with proline, which is neutral and non-polar, at codon 205 of the CHD7 protein (p.Gln205Pro). This variant is not present in population databases (gnomAD no frequency). This variant has not been reported in the literature in individuals affected with CHD7-related conditions. Advanced modeling of protein sequence and biophysical properties (such as structural, functional, and spatial information, amino acid conservation, physicochemical variation, residue mobility, and thermodynamic stability) performed at Invitae indicates that this missense variant is not expected to disrupt CHD7 protein function with a negative predictive value of 95%. In summary, the available evidence is currently insufficient to determine the role of this variant in disease. Therefore, it has been classified as a Variant of Uncertain Significance.